The following is an entry in ClinVar:

NM_002691.4(POLD1):c.2563C>T (p.Arg855Ter)

Gene: POLD1 (DNA polymerase delta 1, catalytic subunit; plus strand). Cytogenetic location: 19q13.33.
Variant type: single nucleotide variant.
Coding change: c.2563C>T on transcript NM_002691.4 (MANE Select); coding-DNA position 2563, C replaced by T.
Protein change: p.Arg855Ter; replaces arginine 855 with a stop codon.
Molecular consequence: nonsense. On other transcripts: non-coding transcript variant (1).
Genome position (GRCh38, 1-based): chr19:50,414,989, C>T. VCF-style: chr19-50414989-C-T. GRCh37 (hg19) VCF-style: chr19-50918246-C-T.
Other names: c.2563C>T, p.Arg855Ter (NM_001256849.1); c.2641C>T, p.Arg881Ter (NM_001308632.1); short protein forms R855*, R881*.
Identifiers: ClinVar variation 407990 (VCV000407990.18), dbSNP rs768048535, ClinGen allele CA9596557.

ClinVar aggregate classification (germline): Uncertain significance. Review status: criteria provided, multiple submitters, no conflicts (2 of 4 stars). 4 submissions from 4 submitters: Uncertain significance (4). Last evaluated 2026-01-21.

Conditions:
Hereditary cancer-predisposing syndrome. Also called: Neoplastic Syndromes, Hereditary; Hereditary neoplastic syndrome; Hereditary Cancer Syndrome; Tumor predisposition. Identifiers: Orphanet 140162, MedGen C0027672, MeSH D009386, MONDO:0015356.
POLD1-related polyposis and colorectal cancer syndrome (CRCS10). Also called: Colorectal cancer, susceptibility to, 10; Colorectal cancer 10; COLORECTAL CANCER, SUSCEPTIBILITY TO, ON CHROMOSOME 19q. Identifiers: Orphanet 220460, MedGen C2675481, MONDO:0012953, OMIM 612591.
Mandibular hypoplasia-deafness-progeroid syndrome. Also called: Mandibular hypoplasia, deafness, progeroid features, and lipodystrophy syndrome. Identifiers: Orphanet 363649, MedGen C3715192, MONDO:0014157, OMIM 615381.

Allele frequency attached by ClinVar (database versions not stated): gnomAD exomes 0.00001; gnomAD 0.00002; TOPMed 0.00003.
gnomAD v4.1: 21 of 1,572,346 alleles (0.0013%); highest among the groups gnomAD compares: South Asian, 0.0023%; no homozygotes.

Submissions (4):

Labcorp Genetics (formerly Invitae), Labcorp
Classification: Uncertain significance for POLD1-related polyposis and colorectal cancer syndrome. Last evaluated: 2026-01-21. Review status: criteria provided, single submitter. Criteria: Invitae Variant Classification Sherloc (09022015). Collection method: clinical testing. Allele origin: germline.
Comment: This sequence change creates a premature translational stop signal (p.Arg855*) in the POLD1 gene. Missense variants that disrupt the 3'-5' exonuclease (proof-reading) activity of the POLD1 protein are associated with PPAP (polymerase proofreading–associated polyposis) (PMID: 23263490, 23447401). However, loss-of-function variants that result in an absent or severely disrupted POLD1 protein, and missense variants outside the exonuclease domain, are unlikely to be associated with PPAP. The frequency data for this variant in the population databases is considered unreliable, as metrics indicate poor data quality at this position in the gnomAD database. This premature translational stop signal has been observed in individual(s) with breast cancer (PMID: 35534704). ClinVar contains an entry for this variant (Variation ID: 407990). RNA analysis performed to evaluate the impact of this premature translational stop signal on mRNA splicing indicates it does not significantly alter splicing (PMID: 35534704; internal data). In summary, the available evidence is currently insufficient to determine the role of this variant in disease. Therefore, it has been classified as a Variant of Uncertain Significance.

Ambry Genetics
Classification: Uncertain significance for Hereditary cancer-predisposing syndrome. Last evaluated: 2025-01-20. Review status: criteria provided, single submitter. Criteria: Ambry Variant Classification Scheme 2023. Collection method: clinical testing. Allele origin: germline.
Comment: The p.R855* variant (also known as c.2563C>T), located in coding exon 19 of the POLD1 gene, results from a C to T substitution at nucleotide position 2563. This changes the amino acid from an arginine to a stop codon within coding exon 19. This alteration is expected to result in loss of function by premature protein truncation or nonsense-mediated mRNA decay. However, loss of function of POLD1 has not been established as a mechanism of disease. Based on the available evidence, the clinical significance of this variant remains unclear.

GeneDx
Classification: Uncertain significance. Last evaluated: 2024-06-26. Review status: criteria provided, single submitter. Criteria: GeneDx Variant Classification Process June 2021. Collection method: clinical testing. Allele origin: germline. Affected: yes.
Comment: Nonsense variant predicted to result in protein truncation or nonsense mediated decay in a gene for which loss-of-function is not an established mechanism of disease; Not observed at significant frequency in large population cohorts (gnomAD); Observed in an individual with a personal and history of breast, prostate, and uterine cancer (PMID: 35534704); This variant is associated with the following publications: (PMID: 29056344, 35534704)

Fulgent Genetics
Classification: Uncertain significance for POLD1-related polyposis and colorectal cancer syndrome; Mandibular hypoplasia-deafness-progeroid syndrome. Last evaluated: 2018-10-31. Review status: criteria provided, single submitter. Criteria: ACMG Guidelines, 2015. Collection method: clinical testing. Allele origin: unknown.

Literature cited by the submitters: PubMed 23263490 (cited by Labcorp Genetics (formerly Invitae), Labcorp); PubMed 23447401 (cited by Labcorp Genetics (formerly Invitae), Labcorp); PubMed 35534704 (cited by Labcorp Genetics (formerly Invitae), Labcorp).